The following is an entry in ClinVar:

ClinVar aggregate classification (germline): Benign/Likely benign. Review status: criteria provided, multiple submitters, no conflicts (2 of 4 stars). 3 submissions from 3 submitters: Benign (1); Likely benign (2). Last evaluated 2024-08-23.

Conditions:
Hereditary cancer-predisposing syndrome. Also called: Hereditary neoplastic syndrome; Tumor predisposition; Hereditary Cancer Syndrome; Neoplastic Syndromes, Hereditary. Identifiers: Orphanet 140162, MedGen C0027672, MeSH D009386, MONDO:0015356.
Familial cancer of breast. Also called: Hereditary breast cancer; hereditary breast carcinoma; BREAST CANCER, FAMILIAL. Identifiers: Orphanet 227535, MedGen C0346153, MONDO:0016419, OMIM 114480. Disease mechanism: loss of function.

Allele frequency attached by ClinVar (database versions not stated): gnomAD exomes below 0.00001; ExAC 0.00001.
gnomAD v4.1: 1 of 1,614,042 alleles (0.000062%); highest among the groups gnomAD compares: Non-Finnish European, 0.000085%; no homozygotes.

Submissions (3):

Myriad Genetics, Inc.
Classification: Benign for Familial cancer of breast. Last evaluated: 2024-08-23. Review status: criteria provided, single submitter. Criteria: Myriad Autosomal Dominant, Autosomal Recessive and X-Linked Classification Criteria (2023). Collection method: clinical testing. Allele origin: unknown.
Comment: This variant is considered benign. This variant is a silent/synonymous amino acid change and it is not expected to impact splicing.

Ambry Genetics
Classification: Likely benign for Hereditary cancer-predisposing syndrome. Last evaluated: 2019-04-16. Review status: criteria provided, single submitter. Criteria: Ambry Variant Classification Scheme 2023. Collection method: clinical testing. Allele origin: germline.

Color Diagnostics, LLC DBA Color Health
Classification: Likely benign for Hereditary cancer-predisposing syndrome. Last evaluated: 2016-10-05. Review status: criteria provided, single submitter. Criteria: ACMG Guidelines, 2015. Collection method: clinical testing. Allele origin: germline.

NM_032043.3(BRIP1):c.1083T>C (p.Asp361=)

Gene: BRIP1 (BRCA1 interacting DNA helicase 1; minus strand). Cytogenetic location: 17q23.2.
Variant type: single nucleotide variant.
Coding change: c.1083T>C on transcript NM_032043.3 (MANE Select); coding-DNA position 1083, T replaced by C.
Protein change: p.Asp361=; no amino-acid change (aspartic acid 361 retained).
Molecular consequence: synonymous variant.
Genome position (GRCh38, 1-based): chr17:61,801,310, A>G on the plus strand (T>C on the coding strand, the complement: BRIP1 is on the minus strand). VCF-style: chr17-61801310-A-G. GRCh37 (hg19) VCF-style: chr17-59878671-A-G.
Identifiers: ClinVar variation 491397 (VCV000491397.8), dbSNP rs745432312, ClinGen allele CA8690805.